The following is an entry in ClinVar:

ClinVar aggregate classification (germline): Uncertain significance (1 of 4 stars; one submission).

Submission:

GeneDx
Classification: Uncertain significance. Last evaluated: 2020-01-22. Review status: criteria provided, single submitter. Criteria: GeneDx Variant Classification Process June 2021. Collection method: clinical testing. Allele origin: germline. Affected: yes.
Comment: Not observed in large population cohorts (Lek et al., 2016); In silico analysis, which includes protein predictors and evolutionary conservation, supports a deleterious effect; Has not been previously published as pathogenic or benign to our knowledge

NM_006565.4(CTCF):c.2156A>T (p.Glu719Val)

Gene: CTCF (CCCTC-binding factor; plus strand). Cytogenetic location: 16q22.1.
Variant type: single nucleotide variant.
Coding change: c.2156A>T on transcript NM_006565.4 (MANE Select); coding-DNA position 2156, A replaced by T.
Protein change: p.Glu719Val; replaces glutamic acid 719 with valine.
Molecular consequence: missense variant.
Genome position (GRCh38, 1-based): chr16:67,637,844, A>T. VCF-style: chr16-67637844-A-T. GRCh37 (hg19) VCF-style: chr16-67671747-A-T.
Other names: c.1172A>T, p.Glu391Val (NM_001191022.2); c.2150A>T, p.Glu717Val (NM_001363916.2); short protein forms E391V, E717V, E719V.
Identifiers: ClinVar variation 1311819 (VCV001311819.2), dbSNP rs2142889531, ClinGen allele CA396326101.
Genomic context (GRCh38, chr16:67,637,844, plus strand): 5'-GAGAGGAAGAGGAGGCCCAGCCAGCTGCCACAGATGCCCCCAACGGAGACCTCACGCCCG[A>T]GATGATCCTCAGCATGATGGACCGGTGATGGCGGAGCCTTGTGCGTCGCCAGGACTTCTC-3'
Protein context (NP_006556.1, residues 709-727): TDAPNGDLTP[Glu719Val]MILSMMDR